The following is an entry in ClinVar:

ClinVar aggregate classification (germline): Benign/Likely benign. Review status: criteria provided, multiple submitters, no conflicts (2 of 4 stars). 2 submissions from 2 submitters: Benign (1); Likely benign (1). Last evaluated 2025-02-04.

Conditions:
Hereditary nonpolyposis colorectal neoplasms. Identifiers: MedGen C0009405, MeSH D003123.
Lynch syndrome 4 (LYNCH4). Also called: Colorectal cancer, hereditary nonpolyposis, type 4; Hereditary non-polyposis colorectal cancer, type 4. Identifiers: Orphanet 144, MedGen C1838333, MONDO:0013699, OMIM 614337. Disease mechanism: loss of function.

Submissions (2):

Myriad Genetics, Inc.
Classification: Benign for Lynch syndrome 4. Last evaluated: 2025-02-04. Review status: criteria provided, single submitter. Criteria: Myriad Autosomal Dominant, Autosomal Recessive and X-Linked Classification Criteria (2023). Collection method: clinical testing. Allele origin: unknown.
Comment: This variant is considered benign. This variant is a silent/synonymous amino acid change and it is not expected to impact splicing.

Labcorp Genetics (formerly Invitae), Labcorp
Classification: Likely benign for Hereditary nonpolyposis colorectal neoplasms. Last evaluated: 2023-10-28. Review status: criteria provided, single submitter. Criteria: Invitae Variant Classification Sherloc (09022015). Collection method: clinical testing. Allele origin: germline.

NM_000535.7(PMS2):c.2508G>A (p.Glu836=)

Gene: PMS2 (PMS1 homolog 2, mismatch repair system component; minus strand). Cytogenetic location: 7p22.1.
Variant type: single nucleotide variant.
Coding change: c.2508G>A on transcript NM_000535.7 (MANE Select); coding-DNA position 2508, G replaced by A.
Protein change: p.Glu836=; no amino-acid change (glutamic acid 836 retained).
Molecular consequence: synonymous variant. On other transcripts: non-coding transcript variant (1).
Genome position (GRCh38, 1-based): chr7:5,973,480, C>T on the plus strand (G>A on the coding strand, the complement: PMS2 is on the minus strand). VCF-style: chr7-5973480-C-T. GRCh37 (hg19) VCF-style: chr7-6013111-C-T.
Other names: c.2103G>A, p.Glu701= (NM_001322003.2, NM_001322004.2, NM_001322005.2); c.2352G>A, p.Glu784= (NM_001322006.2); c.2190G>A, p.Glu730= (NM_001322007.2, NM_001322008.2); c.2136G>A, p.Glu712= (NM_001322009.2); c.1947G>A, p.Glu649= (NM_001322010.2); c.1575G>A, p.Glu525= (NM_001322011.2, NM_001322012.2); c.1935G>A, p.Glu645= (NM_001322013.2); c.2541G>A, p.Glu847= (NM_001322014.2); and 1 more.
Identifiers: ClinVar variation 1109080 (VCV001109080.10), dbSNP rs2128658051, ClinGen allele CA453642082.